The following is an entry in ClinVar:

NM_001303256.3(MORC2):c.2443G>T (p.Val815Leu)

Gene: MORC2 (MORC family CW-type zinc finger 2; minus strand). Cytogenetic location: 22q12.2.
Variant type: single nucleotide variant.
Coding change: c.2443G>T on transcript NM_001303256.3 (MANE Select); coding-DNA position 2443, G replaced by T.
Protein change: p.Val815Leu; replaces valine 815 with leucine.
Molecular consequence: missense variant.
Genome position (GRCh38, 1-based): chr22:30,932,968, C>A on the plus strand (G>T on the coding strand, the complement: MORC2 is on the minus strand). VCF-style: chr22-30932968-C-A. GRCh37 (hg19) VCF-style: chr22-31328955-C-A.
Other names: c.2443G>T, p.Val815Leu (NM_001303257.2); c.2257G>T, p.Val753Leu (NM_014941.3); short protein forms V815L, V753L.
Identifiers: ClinVar variation 2961848 (VCV002961848.3), dbSNP rs1396182121, ClinGen allele CA411232351.
Genomic context (GRCh38, chr22:30,932,968, plus strand): 5'-TGTCTGTGGGCACGTAGTCAAACTTCACCTTCCACCGCACCACATGCTTGCCCACCTCCA[C>A]GGCTGTGACACGGCCCGTGTACCACTCCCTGTTCACACGCACCTCCACGTGCAGCCCTTT-3'
Protein context (NP_001290185.1, residues 805-825): REWYTGRVTA[Val815Leu]EVGKHVVRWK

ClinVar aggregate classification (germline): Uncertain significance (1 of 4 stars; one submission).

Conditions:
Charcot-Marie-Tooth disease axonal type 2Z. Also called: CHARCOT-MARIE-TOOTH DISEASE, AXONAL, AUTOSOMAL DOMINANT, TYPE 2Z; CHARCOT-MARIE-TOOTH NEUROPATHY, TYPE 2Z. Identifiers: Orphanet 466768, MedGen C5569025, MONDO:0014736, OMIM 616688.

Submission:

Labcorp Genetics (formerly Invitae), Labcorp
Classification: Uncertain significance for Charcot-Marie-Tooth disease axonal type 2Z. Last evaluated: 2023-12-26. Review status: criteria provided, single submitter. Criteria: Invitae Variant Classification Sherloc (09022015). Collection method: clinical testing. Allele origin: germline.
Comment: This sequence change replaces valine, which is neutral and non-polar, with leucine, which is neutral and non-polar, at codon 815 of the MORC2 protein (p.Val815Leu). This variant is not present in population databases (gnomAD no frequency). This variant has not been reported in the literature in individuals affected with MORC2-related conditions. Advanced modeling of protein sequence and biophysical properties (such as structural, functional, and spatial information, amino acid conservation, physicochemical variation, residue mobility, and thermodynamic stability) has been performed at Invitae for this missense variant, however the output from this modeling did not meet the statistical confidence thresholds required to predict the impact of this variant on MORC2 protein function. In summary, the available evidence is currently insufficient to determine the role of this variant in disease. Therefore, it has been classified as a Variant of Uncertain Significance.